The following is an entry in ClinVar:

ClinVar aggregate classification (germline): Uncertain significance (1 of 4 stars; one submission).

Conditions:
Ataxia-telangiectasia-like disorder (ATLD). Identifiers: MedGen C1858391, MONDO:0011457.

Submission:

Labcorp Genetics (formerly Invitae), Labcorp
Classification: Uncertain significance for Ataxia-telangiectasia-like disorder. Last evaluated: 2022-08-23. Review status: criteria provided, single submitter. Criteria: Invitae Variant Classification Sherloc (09022015). Collection method: clinical testing. Allele origin: germline.
Comment: This sequence change replaces aspartic acid, which is acidic and polar, with histidine, which is basic and polar, at codon 324 of the MRE11 protein (p.Asp324His). This variant is not present in population databases (gnomAD no frequency). This variant has not been reported in the literature in individuals affected with MRE11-related conditions. ClinVar contains an entry for this variant (Variation ID: 643735). Algorithms developed to predict the effect of missense changes on protein structure and function are either unavailable or do not agree on the potential impact of this missense change (SIFT: "Tolerated"; PolyPhen-2: "Possibly Damaging"; Align-GVGD: "Class C0"). In summary, the available evidence is currently insufficient to determine the role of this variant in disease. Therefore, it has been classified as a Variant of Uncertain Significance.

NM_005591.4(MRE11):c.970G>C (p.Asp324His)

Gene: MRE11 (MRE11 double strand break repair nuclease; minus strand). Cytogenetic location: 11q21.
Variant type: single nucleotide variant.
Coding change: c.970G>C on transcript NM_005591.4 (MANE Select); coding-DNA position 970, G replaced by C.
Protein change: p.Asp324His; replaces aspartic acid 324 with histidine.
Molecular consequence: missense variant.
Genome position (GRCh38, 1-based): chr11:94,470,518, C>G on the plus strand (G>C on the coding strand, the complement: MRE11 is on the minus strand). VCF-style: chr11-94470518-C-G. GRCh37 (hg19) VCF-style: chr11-94203684-C-G.
Other names: c.970G>C, p.Asp324His (NM_001330347.2, NM_005590.4); short protein forms D324H.
Identifiers: ClinVar variation 643735 (VCV000643735.8), dbSNP rs1591692518, ClinGen allele CA382374284.